The following is an entry in ClinVar:

ClinVar aggregate classification (germline): Uncertain significance (1 of 4 stars; one submission).

Conditions:
Ataxia-telangiectasia syndrome (AT). Also called: LOUIS-BAR SYNDROME; Cerebello-oculocutaneous telangiectasia; Immunodeficiency with ataxia telangiectasia; Ataxia telangiectasia (A-T); Ataxia-telangiectasia, complementation group D; AT, COMPLEMENTATION GROUP C. Identifiers: Orphanet 100, MedGen C0004135, MONDO:0008840, OMIM 208900.

Submission:

Labcorp Genetics (formerly Invitae), Labcorp
Classification: Uncertain significance for Ataxia-telangiectasia syndrome. Last evaluated: 2025-09-02. Review status: criteria provided, single submitter. Criteria: Invitae Variant Classification Sherloc (09022015). Collection method: clinical testing. Allele origin: germline.
Comment: This variant, c.6051_6053dup, results in the insertion of 1 amino acid(s) of the ATM protein (p.Ser2017_Leu2018insPhe), but otherwise preserves the integrity of the reading frame. This variant is not present in population databases (gnomAD no frequency). This variant has not been reported in the literature in individuals affected with ATM-related conditions. ClinVar contains an entry for this variant (Variation ID: 2820569). Experimental studies and prediction algorithms are not available or were not evaluated, and the functional significance of this variant is currently unknown. In summary, the available evidence is currently insufficient to determine the role of this variant in disease. Therefore, it has been classified as a Variant of Uncertain Significance.

NM_000051.4(ATM):c.6051_6053dup (p.Ser2017_Leu2018insPhe)

Genes: ATM (ATM serine/threonine kinase; plus strand), C11orf65 (chromosome 11 open reading frame 65; minus strand). Cytogenetic location: 11q22.3.
Variant type: Duplication.
Coding change: c.6051_6053dup on transcript NM_000051.4 (MANE Select); coding-DNA positions 6051 to 6053, 3 bases duplicated (TTT; older notation c.6051_6053dupTTT).
Protein change: p.Ser2017_Leu2018insPhe.
Molecular consequence: inframe insertion. On other transcripts: intron variant (2).
Genome position (GRCh38, 1-based): chr11:108,315,867-108,315,869, TTT duplicated. VCF-style (leftmost placement, unchanged base first): chr11-108315866-G-GTTT. GRCh37 (hg19) VCF-style: chr11-108186593-G-GTTT.
Other names: c.641-6798_641-6796dup (NM_001330368.2); c.*39-6798_*39-6796dup (NM_001351110.2); c.6051_6053dup, p.Ser2017_Leu2018insPhe (NM_001351834.2).
Identifiers: ClinVar variation 2820569 (VCV002820569.3), dbSNP rs2547089178, ClinGen allele CA2739265975.